The following is an entry in ClinVar:

NM_006946.4(SPTBN2):c.5876G>C (p.Arg1959Pro)

Gene: SPTBN2 (spectrin beta, non-erythrocytic 2; minus strand). Cytogenetic location: 11q13.2.
Variant type: single nucleotide variant.
Coding change: c.5876G>C on transcript NM_006946.4 (MANE Select); coding-DNA position 5876, G replaced by C.
Protein change: p.Arg1959Pro; replaces arginine 1959 with proline.
Molecular consequence: missense variant.
Genome position (GRCh38, 1-based): chr11:66,689,878, C>G on the plus strand (G>C on the coding strand, the complement: SPTBN2 is on the minus strand). VCF-style: chr11-66689878-C-G. GRCh37 (hg19) VCF-style: chr11-66457349-C-G.
Other names: c.5897G>C, p.Arg1966Pro (NM_001411025.1); short protein forms R1959P, R1966P.
Identifiers: ClinVar variation 3383816 (VCV003383816.2).

ClinVar aggregate classification (germline): Uncertain significance (1 of 4 stars; one submission).

Submission:

GeneDx
Classification: Uncertain significance. Last evaluated: 2026-08-24. Review status: criteria provided, single submitter. Criteria: GeneDx Variant Classification Process June 2021. Collection method: clinical testing. Allele origin: germline.
Comment: Not observed at significant frequency in large population cohorts (gnomAD); In silico analysis supports that this missense variant has a deleterious effect on protein structure/function; Has not been previously published as pathogenic or benign to our knowledge